The following is an entry in ClinVar:

ClinVar aggregate classification (germline): Uncertain significance (1 of 4 stars; one submission).

Allele frequency attached by ClinVar (database versions not stated): gnomAD exomes below 0.00001.
gnomAD v4.1: 1 of 1,613,660 alleles (0.000062%); highest among the groups gnomAD compares: Admixed American, 0.0017%; no homozygotes.

Submission:

Labcorp Genetics (formerly Invitae), Labcorp
Classification: Uncertain significance. Last evaluated: 2023-12-11. Review status: criteria provided, single submitter. Criteria: Invitae Variant Classification Sherloc (09022015). Collection method: clinical testing. Allele origin: germline.
Comment: This sequence change replaces aspartic acid, which is acidic and polar, with asparagine, which is neutral and polar, at codon 377 of the OBSL1 protein (p.Asp377Asn). This variant is present in population databases (no rsID available, gnomAD 0.003%). This variant has not been reported in the literature in individuals affected with OBSL1-related conditions. ClinVar contains an entry for this variant (Variation ID: 1491777). An algorithm developed to predict the effect of missense changes on protein structure and function (PolyPhen-2) suggests that this variant is likely to be disruptive. In summary, the available evidence is currently insufficient to determine the role of this variant in disease. Therefore, it has been classified as a Variant of Uncertain Significance.

NM_015311.3(OBSL1):c.1129G>A (p.Asp377Asn)

Gene: OBSL1 (obscurin like cytoskeletal adaptor 1; minus strand). Cytogenetic location: 2q35.
Variant type: single nucleotide variant.
Coding change: c.1129G>A on transcript NM_015311.3 (MANE Select); coding-DNA position 1129, G replaced by A.
Protein change: p.Asp377Asn; replaces aspartic acid 377 with asparagine.
Molecular consequence: missense variant.
Genome position (GRCh38, 1-based): chr2:219,568,208, C>T on the plus strand (G>A on the coding strand, the complement: OBSL1 is on the minus strand). VCF-style: chr2-219568208-C-T. GRCh37 (hg19) VCF-style: chr2-220432930-C-T.
Other names: c.1129G>A, p.Asp377Asn (NM_001173408.2, NM_001173431.2); short protein forms D377N.
Identifiers: ClinVar variation 1491777 (VCV001491777.8), dbSNP rs1461107874, ClinGen allele CA350760833.
Genomic context (GRCh38, chr2:219,568,208, plus strand): 5'-GGCGCCGGACAGTGCCCTCTTCGATCTGCTCGTACTTGCGGCAGGGCAGCAGCCGCTGGT[C>T]CTCACGGAACCAGGCCGTGGGGATGCGGGAGTTGGGTACTTTACATTCCAGCACGGCAAT-3'
Protein context (NP_056126.1, residues 367-387): SRIPTAWFRE[Asp377Asn]QRLLPCRKYE